The following is an entry in ClinVar:

NM_020458.4(TTC7A):c.839A>G (p.Lys280Arg)

Gene: TTC7A (tetratricopeptide repeat domain 7A; plus strand). Cytogenetic location: 2p21.
Variant type: single nucleotide variant.
Coding change: c.839A>G on transcript NM_020458.4 (MANE Select); coding-DNA position 839, A replaced by G.
Protein change: p.Lys280Arg; replaces lysine 280 with arginine.
Molecular consequence: missense variant. On other transcripts: 5 prime UTR variant (1).
Genome position (GRCh38, 1-based): chr2:46,993,524, A>G. VCF-style: chr2-46993524-A-G. GRCh37 (hg19) VCF-style: chr2-47220663-A-G.
Other names: c.839A>G, p.Lys280Arg (NM_001288951.2); c.737A>G, p.Lys246Arg (NM_001288953.2); c.-66A>G (NM_001288955.2); short protein forms K280R, K246R.
Identifiers: ClinVar variation 971036 (VCV000971036.10), dbSNP rs1675838342, ClinGen allele CA346713276.

ClinVar aggregate classification (germline): Uncertain significance (1 of 4 stars; one submission).

Conditions:
Multiple gastrointestinal atresias. Also called: Multiple intestinal atresia; FAMILIAL INTESTINAL POLYATRESIA SYNDROME. Identifiers: Orphanet 2300, MedGen C0220744, MONDO:0009465.

Submission:

Labcorp Genetics (formerly Invitae), Labcorp
Classification: Uncertain significance for Multiple gastrointestinal atresias. Last evaluated: 2019-11-12. Review status: criteria provided, single submitter. Criteria: Invitae Variant Classification Sherloc (09022015). Collection method: clinical testing. Allele origin: germline.
Comment: This sequence change replaces lysine with arginine at codon 280 of the TTC7A protein (p.Lys280Arg). The lysine residue is moderately conserved and there is a small physicochemical difference between lysine and arginine. This variant is not present in population databases (ExAC no frequency). This variant has not been reported in the literature in individuals with TTC7A-related conditions. Algorithms developed to predict the effect of missense changes on protein structure and function (SIFT, PolyPhen-2, Align-GVGD) all suggest that this variant is likely to be tolerated, but these predictions have not been confirmed by published functional studies and their clinical significance is uncertain. In summary, the available evidence is currently insufficient to determine the role of this variant in disease. Therefore, it has been classified as a Variant of Uncertain Significance.